The following is an entry in ClinVar:

NM_004006.3(DMD):c.7310-5T>G

Gene: DMD (dystrophin; minus strand). Cytogenetic location: Xp21.1.
Variant type: single nucleotide variant.
Coding change: c.7310-5T>G on transcript NM_004006.3 (MANE Select); 5 bases into the intron before coding-DNA position 7310, T replaced by G.
Molecular consequence: intron variant.
Genome position (GRCh38, 1-based): chrX:31,774,197, A>C on the plus strand (T>G on the coding strand, the complement: DMD is on the minus strand). VCF-style: chrX-31774197-A-C. GRCh37 (hg19) VCF-style: chrX-31792314-A-C.
Other names: c.7286-5T>G (NM_000109.4); c.3287-5T>G (NM_004011.4); c.3278-5T>G (NM_004012.4); c.-71-5T>G (NM_004023.3, NM_004020.4, NM_004022.3 and 2 more transcripts); c.7298-5T>G (NM_004009.3); c.6941-5T>G (NM_004010.3).
Identifiers: ClinVar variation 845574 (VCV000845574.13), dbSNP rs2090517382, ClinGen allele CA916081253.
Genomic context (GRCh38, chrX:31,774,197, plus strand): 5'-GGCAGTTTCCTTAGTAACCACAGGTTGTGTCACCAGAGTAACAGTCTGAGTAGGAGCTAA[A>C]ATATTTTGGGTTTTTGCAAAAAGGAAAAAAGAAGAAAAAGAAAAATTAGAAACACAAGCT-3'

ClinVar aggregate classification (germline): Conflicting classifications of pathogenicity. Review status: criteria provided, conflicting classifications (1 of 4 stars). 4 submissions from 4 submitters: Uncertain significance (1); Likely benign (2). 1 of the submissions does not count toward it. Last evaluated 2026-09-01.

Conditions:
Cardiovascular phenotype. Identifiers: MedGen CN230736.
Duchenne muscular dystrophy (DMD). Also called: MUSCULAR DYSTROPHY, PSEUDOHYPERTROPHIC PROGRESSIVE, DUCHENNE TYPE; Duchenne Muscular Dystrophy (DMD). Identifiers: Orphanet 98896, MedGen C0013264, MONDO:0010679, OMIM 310200.
Becker muscular dystrophy (BMD). Also called: Becker Muscular Dystrophy (BMD); MUSCULAR DYSTROPHY, PSEUDOHYPERTROPHIC PROGRESSIVE, BECKER TYPE. Identifiers: Orphanet 98895, MedGen C0917713, MONDO:0010311, OMIM 300376.
Cardiomyopathy (CMYO). Also called: Cardiomyopathies. Identifiers: Orphanet 167848, MedGen C0878544, MONDO:0004994, HP:0001638. Inheritance: Various modes of inheritance.
Dystrophin deficiency.

Allele frequency attached by ClinVar (database versions not stated): TOPMed below 0.00001; gnomAD exomes 0.00001.
gnomAD v4.1: 10 of 1,192,725 alleles (0.00084%); highest among the groups gnomAD compares: Non-Finnish European, 0.001%; no homozygotes.

Submissions (4):

CeGaT Center for Human Genetics Tuebingen
Classification: Likely benign. Last evaluated: 2026-09-01. Review status: criteria provided, single submitter. Criteria: CeGaT Center For Human Genetics Tuebingen Variant Classification Criteria Version 2. Collection method: clinical testing. Allele origin: germline. Affected: yes. Observed: 1 variant allele.
Comment: DMD: BP4, BS2

Labcorp Genetics (formerly Invitae), Labcorp
Classification: Likely benign for Duchenne muscular dystrophy. Last evaluated: 2024-02-15. Review status: criteria provided, single submitter. Criteria: Invitae Variant Classification Sherloc (09022015). Collection method: clinical testing. Allele origin: germline.

Ambry Genetics
Classification: Uncertain significance for Cardiovascular phenotype. Last evaluated: 2023-12-05. Review status: criteria provided, single submitter. Criteria: Ambry Variant Classification Scheme 2023. Collection method: clinical testing. Allele origin: germline.
Comment: The c.7310-5T>G intronic variant results from a T to G substitution 5 nucleotides upstream from coding exon 51 in the DMD gene. This nucleotide position is well conserved in available vertebrate species. In silico splice site analysis predicts that this alteration will not have any significant effect on splicing. Since supporting evidence is limited at this time, the clinical significance of this alteration remains unclear.

Natera, Inc.
Classification: Uncertain significance for Becker muscular dystrophy; Cardiomyopathy; Duchenne muscular dystrophy; Dystrophin deficiency. Last evaluated: 2018-12-04. Review status: no assertion criteria provided. Collection method: clinical testing. Allele origin: germline. Not counted in ClinVar's aggregate classification.